The following is an entry in ClinVar:

ClinVar aggregate classification (germline): Uncertain significance. Review status: criteria provided, multiple submitters, no conflicts (2 of 4 stars). 3 submissions from 3 submitters: Uncertain significance (3). Last evaluated 2025-05-28.

Conditions:
Inborn genetic diseases. Identifiers: MedGen C0950123, MeSH D030342.
Mowat-Wilson syndrome (MOWS). Also called: Classic Mowat-Wilson Syndrome. Identifiers: Orphanet 2152, MedGen C1856113, MONDO:0009341, OMIM 235730.

gnomAD v4.1: 4 of 1,613,726 alleles (0.00025%); highest among the groups gnomAD compares: African/African-American, 0.0053%; no homozygotes.

Submissions (3):

Ambry Genetics
Classification: Uncertain significance for Inborn genetic diseases. Last evaluated: 2025-05-28. Review status: criteria provided, single submitter. Criteria: Ambry Variant Classification Scheme 2023. Collection method: clinical testing. Allele origin: germline.

Labcorp Genetics (formerly Invitae), Labcorp
Classification: Uncertain significance for Mowat-Wilson syndrome. Last evaluated: 2022-10-21. Review status: criteria provided, single submitter. Criteria: Invitae Variant Classification Sherloc (09022015). Collection method: clinical testing. Allele origin: germline.
Comment: This sequence change replaces alanine, which is neutral and non-polar, with glycine, which is neutral and non-polar, at codon 105 of the ZEB2 protein (p.Ala105Gly). In summary, the available evidence is currently insufficient to determine the role of this variant in disease. Therefore, it has been classified as a Variant of Uncertain Significance. Algorithms developed to predict the effect of missense changes on protein structure and function are either unavailable or do not agree on the potential impact of this missense change (SIFT: "Tolerated"; PolyPhen-2: "Possibly Damaging"; Align-GVGD: "Class C0"). This variant has not been reported in the literature in individuals affected with ZEB2-related conditions. This variant is present in population databases (no rsID available, gnomAD 0.007%).

Mayo Clinic Laboratories, Mayo Clinic
Classification: Uncertain significance. Last evaluated: 2021-11-29. Review status: criteria provided, single submitter. Criteria: ACMG Guidelines, 2015. Collection method: clinical testing. Allele origin: germline. Observed: 1 variant allele.

NM_014795.4(ZEB2):c.314C>G (p.Ala105Gly)

Gene: ZEB2 (zinc finger E-box binding homeobox 2; minus strand). Cytogenetic location: 2q22.3.
Variant type: single nucleotide variant.
Coding change: c.314C>G on transcript NM_014795.4 (MANE Select); coding-DNA position 314, C replaced by G.
Protein change: p.Ala105Gly; replaces alanine 105 with glycine.
Molecular consequence: missense variant.
Genome position (GRCh38, 1-based): chr2:144,429,786, G>C on the plus strand (C>G on the coding strand, the complement: ZEB2 is on the minus strand). VCF-style: chr2-144429786-G-C. GRCh37 (hg19) VCF-style: chr2-145187353-G-C.
Other names: p.Ala105Gly; c.314C>G, p.Ala105Gly (NM_001171653.2); short protein forms A105G.
Identifiers: ClinVar variation 1899771 (VCV001899771.8), dbSNP rs730881207, ClinGen allele CA348718585.